The following is an entry in ClinVar:

ClinVar aggregate classification (germline): Conflicting classifications of pathogenicity. Review status: criteria provided, conflicting classifications (1 of 4 stars). 2 submissions from 2 submitters: Uncertain significance (1); Likely benign (1). Last evaluated 2025-11-12.

Conditions:
Inborn genetic diseases. Identifiers: MedGen C0950123, MeSH D030342.

Allele frequency attached by ClinVar (database versions not stated): gnomAD exomes below 0.00001 and 0.00002; ExAC 0.00002; gnomAD 0.00005; TOPMed 0.00005; ESP Exome Variant Server 0.00009.
gnomAD v4.1: 9 of 1,209,940 alleles (0.00074%); highest among the groups gnomAD compares: African/African-American, 0.016%; no homozygotes.

Submissions (2):

Ambry Genetics
Classification: Likely benign for Inborn genetic diseases. Last evaluated: 2025-11-12. Review status: criteria provided, single submitter. Criteria: Ambry Variant Classification Scheme 2023. Collection method: clinical testing. Allele origin: germline.

Labcorp Genetics (formerly Invitae), Labcorp
Classification: Uncertain significance. Last evaluated: 2025-04-01. Review status: criteria provided, single submitter. Criteria: Invitae Variant Classification Sherloc (09022015). Collection method: clinical testing. Allele origin: germline.
Comment: This sequence change replaces serine, which is neutral and polar, with threonine, which is neutral and polar, at codon 1031 of the STAG2 protein (p.Ser1031Thr). This variant is present in population databases (rs370347095, gnomAD 0.03%). This variant has not been reported in the literature in individuals affected with STAG2-related conditions. ClinVar contains an entry for this variant (Variation ID: 1386933). Invitae Evidence Modeling of protein sequence and biophysical properties (such as structural, functional, and spatial information, amino acid conservation, physicochemical variation, residue mobility, and thermodynamic stability) indicates that this missense variant is not expected to disrupt STAG2 protein function with a negative predictive value of 80%. In summary, the available evidence is currently insufficient to determine the role of this variant in disease. Therefore, it has been classified as a Variant of Uncertain Significance.

NM_001042750.2(STAG2):c.3091T>A (p.Ser1031Thr)

Gene: STAG2 (STAG2 cohesin complex component; plus strand). Cytogenetic location: Xq25.
Variant type: single nucleotide variant.
Coding change: c.3091T>A on transcript NM_001042750.2 (MANE Select); coding-DNA position 3091, T replaced by A.
Protein change: p.Ser1031Thr; replaces serine 1031 with threonine.
Molecular consequence: missense variant.
Genome position (GRCh38, 1-based): chrX:124,086,584, T>A. VCF-style: chrX-124086584-T-A. GRCh37 (hg19) VCF-style: chrX-123220434-T-A.
Other names: c.3091T>A, p.Ser1031Thr (NM_001042749.2, NM_001042751.2, NM_001282418.2 and 13 more transcripts); c.3091T>A (NM_001042749.1); short protein forms S1031T.
Identifiers: ClinVar variation 1386933 (VCV001386933.9), dbSNP rs370347095, ClinGen allele CA10509113.